The following is an entry in ClinVar:

ClinVar aggregate classification (germline): Pathogenic (1 of 4 stars; one submission).

Conditions:
Joubert syndrome. Also called: CEREBELLOPARENCHYMAL DISORDER IV; JOUBERT-BOLTSHAUSER SYNDROME; Familial aplasia of the vermis. Identifiers: Orphanet 475, MedGen C5979921, MONDO:0018772.
Meckel-Gruber syndrome. Also called: DYSENCEPHALIA SPLANCHNOCYSTICA; GRUBER SYNDROME; Dysencephalia splachnocystica. Identifiers: Orphanet 564, MedGen C0265215, MONDO:0018921.

Submission:

Labcorp Genetics (formerly Invitae), Labcorp
Classification: Pathogenic for Joubert syndrome; Meckel-Gruber syndrome. Last evaluated: 2022-12-14. Review status: criteria provided, single submitter. Criteria: Invitae Variant Classification Sherloc (09022015). Collection method: clinical testing. Allele origin: germline.
Comment: For these reasons, this variant has been classified as Pathogenic. This variant has not been reported in the literature in individuals affected with RPGRIP1L-related conditions. This variant is not present in population databases (gnomAD no frequency). This sequence change creates a premature translational stop signal (p.Ile1220Argfs*14) in the RPGRIP1L gene. It is expected to result in an absent or disrupted protein product. Loss-of-function variants in RPGRIP1L are known to be pathogenic (PMID: 17558409).

Literature cited by the submitters: PubMed 17558409.

NM_015272.5(RPGRIP1L):c.3655_3658dup (p.Ile1220fs)

Gene: RPGRIP1L (RPGRIP1 like; minus strand). Cytogenetic location: 16q12.2.
Variant type: Duplication.
Coding change: c.3655_3658dup on transcript NM_015272.5 (MANE Select); coding-DNA positions 3655 to 3658, 4 bases duplicated (GACA; older notation c.3655_3658dupGACA).
Protein change: p.Ile1220fs; shifts the reading frame from isoleucine 1220.
Molecular consequence: frameshift variant.
Genome position (GRCh38, 1-based): chr16:53,611,010-53,611,013, TGTC duplicated on the plus strand (GACA on the coding strand, the reverse complement: RPGRIP1L is on the minus strand); duplicating any 4 consecutive bases within chr16:53,611,010-53,611,014 gives the same sequence; the c. name uses the placement nearest the transcript's 3' end. VCF-style (leftmost placement, unchanged base first): chr16-53611009-A-ATGTC. GRCh37 (hg19) VCF-style: chr16-53644921-A-ATGTC.
Other names: c.3415_3418dup, p.Ile1140fs (NM_001127897.4); c.3517_3520dup, p.Ile1174fs (NM_001308334.3); c.3553_3556dup, p.Ile1186fs (NM_001330538.2); short protein forms I1174fs, I1140fs, I1186fs, I1220fs.
Identifiers: ClinVar variation 2942313 (VCV002942313.3), dbSNP rs2543721040, ClinGen allele CA2740093337.
Genomic context (GRCh38, chr16:53,611,009, plus strand): 5'-TGGACTGCCAAAACATACCTTCTATTAGGCATCTCTTGTTTTTGTAGTATAGCTTTTAAG[A>ATGTC]TGTCTCTCTTTGCTTTGTTGTTTTCTTTATCCACGTAGATCACTATACCAAAAGAAAAAA-3'